The following is an entry in ClinVar:

NM_025136.4(OPA3):c.424G>C (p.Ala142Pro)

Genes: OPA3 (outer mitochondrial membrane lipid metabolism regulator OPA3; minus strand), OPA3-RTN2 (OPA3-RTN2 readthrough; minus strand). Cytogenetic location: 19q13.32.
Variant type: single nucleotide variant.
Coding change: c.424G>C on transcript NM_025136.4 (MANE Select); coding-DNA position 424, G replaced by C.
Protein change: p.Ala142Pro; replaces alanine 142 with proline.
Molecular consequence: missense variant. On other transcripts: intron variant (1).
Genome position (GRCh38, 1-based): chr19:45,553,630, C>G on the plus strand (G>C on the coding strand, the complement: OPA3 is on the minus strand). VCF-style: chr19-45553630-C-G. GRCh37 (hg19) VCF-style: chr19-46056888-C-G.
Other names: c.143-24174G>C (NM_001017989.3); short protein forms A142P.
Identifiers: ClinVar variation 1305206 (VCV001305206.8), dbSNP rs535683352, ClinGen allele CA406370043.
Genomic context (GRCh38, chr19:45,553,630, plus strand): 5'-GGGCGCGCACCTCTTGCAGCTCTGTGCGCAGTTCCTCCAGGGCGCCCTGTGGCGGCGCCG[C>G]CTGCACCTGCGCCTGCAGCGCTTCCAGCGCCAGCGCCAGGTGGCCCACCTCGTCCCGCAG-3'
Protein context (NP_079412.1, residues 132-152): ALEALQAQVQ[Ala142Pro]APPQGALEEL

ClinVar aggregate classification (germline): Uncertain significance. Review status: criteria provided, multiple submitters, no conflicts (2 of 4 stars). 3 submissions from 3 submitters: Uncertain significance (2). 1 of the submissions does not count toward it. Last evaluated 2025-12-15.

Conditions:
OPA3-related disorder. Also called: OPA3-related condition.
Optic atrophy 3 (OPA3). Also called: OPTIC ATROPHY 3, AUTOSOMAL DOMINANT; Optic atrophy, cataract, and neurologic disorder; Optic atrophy 3 with cataract. Identifiers: Orphanet 67036, MedGen C1833809, MONDO:0008133, OMIM 165300.
3-Methylglutaconic aciduria type 3 (MGCA3). Also called: Costeff Syndrome; OPA3, AUTOSOMAL RECESSIVE; OPTIC ATROPHY 3, AUTOSOMAL RECESSIVE; OPA3-Related 3-Methylglutaconic Aciduria. Identifiers: Orphanet 67047, MedGen C0574084, MONDO:0009787, OMIM 258501.

gnomAD v4.1: 8 of 1,606,430 alleles (0.0005%); highest among the groups gnomAD compares: African/African-American, 0.011%; no homozygotes.

Submissions (3):

Labcorp Genetics (formerly Invitae), Labcorp
Classification: Uncertain significance for 3-Methylglutaconic aciduria type 3; Optic atrophy 3. Last evaluated: 2025-12-15. Review status: criteria provided, single submitter. Criteria: Invitae Variant Classification Sherloc (09022015). Collection method: clinical testing. Allele origin: germline.
Comment: This sequence change replaces alanine, which is neutral and non-polar, with proline, which is neutral and non-polar, at codon 142 of the OPA3 protein (p.Ala142Pro). This variant is present in population databases (no rsID available, gnomAD 0.01%). This variant has not been reported in the literature in individuals affected with OPA3-related conditions. ClinVar contains an entry for this variant (Variation ID: 1305206). An algorithm developed to predict the effect of missense changes on protein structure and function (PolyPhen-2) suggests that this variant is likely to be disruptive. In summary, the available evidence is currently insufficient to determine the role of this variant in disease. Therefore, it has been classified as a Variant of Uncertain Significance.

GeneDx
Classification: Uncertain significance. Last evaluated: 2019-04-23. Review status: criteria provided, single submitter. Criteria: GeneDx Variant Classification Process June 2021. Collection method: clinical testing. Allele origin: germline. Affected: yes.
Comment: In silico analysis, which includes protein predictors and evolutionary conservation, supports that this variant does not alter protein structure/function; Has not been previously published as pathogenic or benign to our knowledge

PreventionGenetics, part of Exact Sciences
Classification: Uncertain significance for OPA3-related condition. Last evaluated: 2023-11-29. Review status: no assertion criteria provided. Collection method: clinical testing. Allele origin: germline. Not counted in ClinVar's aggregate classification.
Comment: The OPA3 c.424G>C variant is predicted to result in the amino acid substitution p.Ala142Pro. To our knowledge, this variant has not been reported in the literature. This variant is reported in 0.012% of alleles in individuals of African descent in gnomAD. At this time, the clinical significance of this variant is uncertain due to the absence of conclusive functional and genetic evidence.